The following is an entry in ClinVar:

ClinVar aggregate classification (germline): Uncertain significance (1 of 4 stars; one submission).

Conditions:
RASopathy. Also called: Noonan spectrum disorder; rasopathies. Identifiers: Orphanet 536391, MedGen C5555857, MONDO:0021060.

Allele frequency attached by ClinVar (database versions not stated): gnomAD exomes below 0.00001.
gnomAD v4.1: 6 of 1,613,022 alleles (0.00037%); highest among the groups gnomAD compares: Admixed American, 0.0017%; no homozygotes.

Submission:

Labcorp Genetics (formerly Invitae), Labcorp
Classification: Uncertain significance for RASopathy. Last evaluated: 2024-12-24. Review status: criteria provided, single submitter. Criteria: Invitae Variant Classification Sherloc (09022015). Collection method: clinical testing. Allele origin: germline.
Comment: This sequence change replaces tyrosine, which is neutral and polar, with aspartic acid, which is acidic and polar, at codon 455 of the CBL protein (p.Tyr455Asp). This variant is not present in population databases (gnomAD no frequency). This variant has not been reported in the literature in individuals affected with CBL-related conditions. ClinVar contains an entry for this variant (Variation ID: 2721631). Invitae Evidence Modeling of protein sequence and biophysical properties (such as structural, functional, and spatial information, amino acid conservation, physicochemical variation, residue mobility, and thermodynamic stability) indicates that this missense variant is not expected to disrupt CBL protein function with a negative predictive value of 95%. In summary, the available evidence is currently insufficient to determine the role of this variant in disease. Therefore, it has been classified as a Variant of Uncertain Significance.

NM_005188.4(CBL):c.1363T>G (p.Tyr455Asp)

Gene: CBL (Cbl proto-oncogene; plus strand). Cytogenetic location: 11q23.3.
Variant type: single nucleotide variant.
Coding change: c.1363T>G on transcript NM_005188.4 (MANE Select); coding-DNA position 1363, T replaced by G.
Protein change: p.Tyr455Asp; replaces tyrosine 455 with aspartic acid.
Molecular consequence: missense variant.
Genome position (GRCh38, 1-based): chr11:119,278,645, T>G. VCF-style: chr11-119278645-T-G. GRCh37 (hg19) VCF-style: chr11-119149355-T-G.
Other names: short protein forms Y455D.
Identifiers: ClinVar variation 2721631 (VCV002721631.3), dbSNP rs2496941662, ClinGen allele CA382914518.